The following is an entry in ClinVar:

NM_001035.3(RYR2):c.8527A>C (p.Met2843Leu)

Gene: RYR2 (ryanodine receptor 2; plus strand). Cytogenetic location: 1q43.
Variant type: single nucleotide variant.
Coding change: c.8527A>C on transcript NM_001035.3 (MANE Select); coding-DNA position 8527, A replaced by C.
Protein change: p.Met2843Leu; replaces methionine 2843 with leucine.
Molecular consequence: missense variant.
Genome position (GRCh38, 1-based): chr1:237,667,895, A>C. VCF-style: chr1-237667895-A-C. GRCh37 (hg19) VCF-style: chr1-237831195-A-C.
Other names: short protein forms M2843L.
Identifiers: ClinVar variation 3071269 (VCV003071269.1), dbSNP rs1479028509, ClinGen allele CA345402382.
Genomic context (GRCh38, chr1:237,667,895, plus strand): 5'-TTATCCTTTTTTACTTATTGAAACGATAAATATTTTTGTTCATTTAAGGCTATGGCAGAA[A>C]TGATGGCTGAAAACTACCATAATATATGGGCAAAGAAAAAGAAAATGGAGTTGGAGTCCA-3'
Protein context (NP_001026.2, residues 2833-2853): LSRDLHAMAE[Met2843Leu]MAENYHNIWA

ClinVar aggregate classification (germline): Uncertain significance (1 of 4 stars; one submission).

Conditions:
Catecholaminergic polymorphic ventricular tachycardia (CVPT). Also called: Catecholamine-induced polymorphic ventricular tachycardia. Identifiers: Orphanet 3286, MedGen C5574922, MONDO:0017990.

Submission:

All of Us Research Program, National Institutes of Health
Classification: Uncertain significance for Catecholaminergic polymorphic ventricular tachycardia. Last evaluated: 2023-05-16. Review status: criteria provided, single submitter. Criteria: ACMG Guidelines, 2015. Collection method: clinical testing. Allele origin: germline. Inheritance: Autosomal dominant inheritance. Observed: 1 variant allele, 1 heterozygote.
Comment: This missense variant replaces methionine with leucine at codon 2843 of the RYR2 protein. Computational prediction suggests that this variant may not impact protein structure and function (internally defined REVEL score threshold <= 0.5, PMID: 27666373). To our knowledge, functional studies have not been reported for this variant. This variant has not been reported in individuals affected with RYR2-related disorders in the literature. This variant has not been identified in the general population by the Genome Aggregation Database (gnomAD). The available evidence is insufficient to determine the role of this variant in disease conclusively. Therefore, this variant is classified as a Variant of Uncertain Significance.

This study involves interpretation of variants in research participants for the purpose of population health screening. Participant phenotype was not available at the time of variant classification. Additional details can be found in publication PMID: 35346344, PMCID: PMC8962531